The following is an entry in ClinVar:

ClinVar aggregate classification (germline): Uncertain significance (1 of 4 stars; one submission).

Allele frequency attached by ClinVar (database versions not stated): gnomAD exomes 0.00001.
gnomAD v4.1: 8 of 1,523,728 alleles (0.00053%); highest among the groups gnomAD compares: Admixed American, 0.0021%; no homozygotes.

Submission:

Labcorp Genetics (formerly Invitae), Labcorp
Classification: Uncertain significance. Last evaluated: 2022-11-15. Review status: criteria provided, single submitter. Criteria: Invitae Variant Classification Sherloc (09022015). Collection method: clinical testing. Allele origin: germline.
Comment: In summary, the available evidence is currently insufficient to determine the role of this variant in disease. Therefore, it has been classified as a Variant of Uncertain Significance. Advanced modeling of protein sequence and biophysical properties (such as structural, functional, and spatial information, amino acid conservation, physicochemical variation, residue mobility, and thermodynamic stability) has been performed at Invitae for this missense variant, however the output from this modeling did not meet the statistical confidence thresholds required to predict the impact of this variant on CACNA1E protein function. This variant has not been reported in the literature in individuals affected with CACNA1E-related conditions. The frequency data for this variant in the population databases is considered unreliable, as metrics indicate poor data quality at this position in the gnomAD database. This sequence change replaces arginine, which is basic and polar, with glutamine, which is neutral and polar, at codon 769 of the CACNA1E protein (p.Arg769Gln).

NM_001205293.3(CACNA1E):c.2306G>A (p.Arg769Gln)

Gene: CACNA1E (calcium voltage-gated channel subunit alpha1 E; plus strand). Cytogenetic location: 1q25.3.
Variant type: single nucleotide variant.
Coding change: c.2306G>A on transcript NM_001205293.3 (MANE Select); coding-DNA position 2306, G replaced by A.
Protein change: p.Arg769Gln; replaces arginine 769 with glutamine.
Molecular consequence: missense variant.
Genome position (GRCh38, 1-based): chr1:181,732,392, G>A. VCF-style: chr1-181732392-G-A. GRCh37 (hg19) VCF-style: chr1-181701528-G-A.
Other names: c.2306G>A, p.Arg769Gln (NM_000721.4); c.2249G>A, p.Arg750Gln (NM_001205294.2); short protein forms R750Q, R769Q.
Identifiers: ClinVar variation 2899974 (VCV002899974.3), dbSNP rs1206135758, ClinGen allele CA343616855.